The following is an entry in ClinVar:

ClinVar aggregate classification (germline): Likely benign. Review status: criteria provided, multiple submitters, no conflicts (2 of 4 stars). 2 submissions from 2 submitters: Likely benign (2). Last evaluated 2023-03-26.

Allele frequency attached by ClinVar (database versions not stated): gnomAD exomes below 0.00001; TOPMed below 0.00001.
gnomAD v4.1: 1 of 1,565,894 alleles (0.000064%); highest among the groups gnomAD compares: Non-Finnish European, 0.000088%; no homozygotes.

Submissions (2):

Labcorp Genetics (formerly Invitae), Labcorp
Classification: Likely benign. Last evaluated: 2023-03-26. Review status: criteria provided, single submitter. Criteria: Invitae Variant Classification Sherloc (09022015). Collection method: clinical testing. Allele origin: germline.

GeneDx
Classification: Likely benign. Last evaluated: 2018-02-22. Review status: criteria provided, single submitter. Criteria: GeneDx Variant Classification (06012015). Collection method: clinical testing. Allele origin: germline. Affected: yes.
Comment: This variant is considered likely benign or benign based on one or more of the following criteria: it is a conservative change, it occurs at a poorly conserved position in the protein, it is predicted to be benign by multiple in silico algorithms, and/or has population frequency not consistent with disease.

NM_133259.4(LRPPRC):c.4129-8C>T

Gene: LRPPRC (leucine rich pentatricopeptide repeat containing; minus strand). Cytogenetic location: 2p21.
Variant type: single nucleotide variant.
Coding change: c.4129-8C>T on transcript NM_133259.4 (MANE Select); 8 bases into the intron before coding-DNA position 4129, C replaced by T.
Molecular consequence: intron variant.
Genome position (GRCh38, 1-based): chr2:43,888,664, G>A on the plus strand (C>T on the coding strand, the complement: LRPPRC is on the minus strand). VCF-style: chr2-43888664-G-A. GRCh37 (hg19) VCF-style: chr2-44115803-G-A.
Identifiers: ClinVar variation 515102 (VCV000515102.9), dbSNP rs1553387459, ClinGen allele CA658795716.